The following is an entry in ClinVar:

NM_000146.4(FTL):c.172G>T (p.Glu58Ter)

Gene: FTL (ferritin light chain; plus strand). Cytogenetic location: 19q13.33.
Variant type: single nucleotide variant.
Coding change: c.172G>T on transcript NM_000146.4 (MANE Select); coding-DNA position 172, G replaced by T.
Protein change: p.Glu58Ter; replaces glutamic acid 58 with a stop codon.
Molecular consequence: nonsense.
Genome position (GRCh38, 1-based): chr19:48,965,839, G>T. VCF-style: chr19-48965839-G-T. GRCh37 (hg19) VCF-style: chr19-49469096-G-T.
Other names: short protein forms E58*.
Identifiers: ClinVar variation 1298779 (VCV001298779.35), dbSNP rs773435099, ClinGen allele CA406756301.
Genomic context (GRCh38, chr19:48,965,839, plus strand): 5'-TTCGACCGCGATGATGTGGCTCTGGAAGGCGTGAGCCACTTCTTCCGCGAATTGGCCGAG[G>T]AGAAGCGCGAGGGCTACGAGCGTCTCCTGAAGATGCAAAACCAGCGTGGCGGCCGCGCTC-3'

ClinVar aggregate classification (germline): Pathogenic (1 of 4 stars; one submission).

gnomAD v4.1: 1 of 1,614,202 alleles (0.000062%); highest among the groups gnomAD compares: Admixed American, 0.0017%; no homozygotes.

Submission:

CeGaT Center for Human Genetics Tuebingen
Classification: Pathogenic. Last evaluated: 2024-06-01. Review status: criteria provided, single submitter. Criteria: CeGaT Center For Human Genetics Tuebingen Variant Classification Criteria Version 2. Collection method: clinical testing. Allele origin: germline. Affected: yes. Observed: 5 variant alleles.
Comment: FTL: PVS1, PM2